The following is an entry in ClinVar:

ClinVar aggregate classification (germline): Conflicting classifications of pathogenicity. Review status: criteria provided, conflicting classifications (1 of 4 stars). 9 submissions from 9 submitters: Uncertain significance (2); Benign (2); Likely benign (4). 1 of the submissions does not count toward it. Last evaluated 2026-02-01.

Conditions:
Phosphate transport defect (GSD1C). Also called: GSD Ic; GLYCOGEN STORAGE DISEASE Ic. Identifiers: Orphanet 364, Orphanet 79259, MedGen C0342749, OMIM 232240.
Glucose-6-phosphate transport defect (GSD1B). Also called: Glycogen Storage Disease Type Ib; GSD Ib. Identifiers: Orphanet 364, Orphanet 79259, MedGen C0268146, MONDO:0009288, OMIM 232220.
Glycogen storage disease, type I. Identifiers: Orphanet 364, MedGen C0017920, MONDO:0002413.

Allele frequency attached by ClinVar (database versions not stated): ESP Exome Variant Server 0.00112; 1000 Genomes Project 0.00120; TOPMed 0.00133; gnomAD exomes 0.00166 and 0.00245; 1000 Genomes Project 30x 0.00172; ExAC 0.00187; gnomAD 0.00206 and 0.00214.

Submissions (13):

Labcorp Genetics (formerly Invitae), Labcorp
Classification: Benign for Glucose-6-phosphate transport defect. Last evaluated: 2026-02-01. Review status: criteria provided, single submitter. Criteria: Invitae Variant Classification Sherloc (09022015). Collection method: clinical testing. Allele origin: germline.

CeGaT Center for Human Genetics Tuebingen
Classification: Likely benign. Last evaluated: 2025-05-01. Review status: criteria provided, single submitter. Criteria: CeGaT Center For Human Genetics Tuebingen Variant Classification Criteria Version 2. Collection method: clinical testing. Allele origin: germline. Affected: yes. Observed: 7 variant alleles.
Comment: SLC37A4: BS2

Blueprint Genetics
Classification: Likely benign. Last evaluated: 2024-11-13. Review status: criteria provided, single submitter. Criteria: ACMG Guidelines, 2015. Collection method: clinical testing. Allele origin: germline.

ARUP Laboratories, Molecular Genetics and Genomics, ARUP Laboratories
Classification: Likely benign. Last evaluated: 2024-02-08. Review status: criteria provided, single submitter. Criteria: ARUP Molecular Germline Variant Investigation Process 2024. Collection method: clinical testing. Allele origin: germline.

Women's Health and Genetics/Laboratory Corporation of America, LabCorp
Classification: Benign. Last evaluated: 2023-08-02. Review status: criteria provided, single submitter. Criteria: LabCorp Variant Classification Summary - May 2015. Collection method: clinical testing. Allele origin: germline.
Comment: Variant summary: SLC37A4 c.467C>T (p.Ala156Val) results in a non-conservative amino acid change located in the Major facilitator superfamily domain (IPR020846) of the encoded protein sequence. One of two in-silico tools predict a benign effect of the variant on protein function. The variant allele was found at a frequency of 0.0019 in 274424 control chromosomes, including 2 homozygotes (gnomAD). The variant was found predominantly at a frequency of 0.003 within the Non-Finnish European subpopulation in the gnomAD database. The observed variant frequency within Non-Finnish European control individuals in the gnomAD database is approximately 2.5 fold of the estimated maximal expected allele frequency for a pathogenic variant in SLC37A4 causing Glycogen Storage Disease Type Ib (0.0012), strongly suggesting that the variant is a benign polymorphism found primarily in populations of Non-Finnish European origin. c.467C>T has been reported in the literature occuring in cis with variant c.572C>T [p.Pro191Arg] in one individual affected with Glycogen Storage Disease Type Ib (Wang_2013). This report does not provide unequivocal conclusions about association of the variant with Glycogen Storage Disease Type Ib. To our knowledge, no experimental evidence demonstrating an impact on protein function has been reported. The following publication has been ascertained in the context of this evaluation (PMID: 22899091). Six ClinVar submitters have assessed the variant since 2014: three classified the variant as uncertain significance, two as likely benign, and one as benign. Based on the evidence outlined above, the variant was classified as benign.

GeneDx
Classification: Likely benign. Last evaluated: 2020-04-13. Review status: criteria provided, single submitter. Criteria: GeneDx Variant Classification Process June 2021. Collection method: clinical testing. Allele origin: germline. Affected: yes.
Comment: This variant is associated with the following publications: (PMID: 22899091)

Illumina Laboratory Services, Illumina
Classification: Uncertain significance for Glycogen storage disease, type I. Last evaluated: 2017-04-27. Review status: criteria provided, single submitter. Criteria: ICSL Variant Classification Criteria 13 December 2019. Collection method: clinical testing. Allele origin: germline.
Comment: This variant was observed as part of a predisposition screen in an ostensibly healthy population. A literature search was performed for the gene, cDNA change, and amino acid change (where applicable). Publications were found based on this search. However, the evidence from the literature, in combination with allele frequency data from public databases where available, was not sufficient to rule this variant in or out of causing disease. Therefore, this variant is classified as a variant of unknown significance.

Center for Genomics, Ann and Robert H. Lurie Children's Hospital of Chicago
Classification: Uncertain significance for Glucose-6-phosphate transport defect; Phosphate transport defect. Review status: criteria provided, single submitter. Criteria: ACMG Guidelines, 2015. Collection method: clinical testing. Allele origin: germline.
Comment: SLC37A4 NM_001164277.1 exon 4 p.Ala156Val (c.467C>T): This variant has been reported in the literature in 1 individual with features suggestive of a glycogen storage disease; of note, it was one of three SLC37A4 variants identified in this individual, determined to be in cis with one variant and of unknown phase with the other (Wang 2013 PMID:22899091). This variant is present in 0.4% (42/10624) of Finnish alleles and in 1 homozygote in the Genome Aggregation Database. This variant is present in ClinVar (Variation ID:215177). Evolutionary conservation and computational predictive tools for this variant are unclear. Splice prediction tools suggest that this variant may affect splicing. However, further studies are needed to understand its impact. In summary, data on this variant is insufficient for disease classification. Therefore, the clinical significance of this variant is uncertain.

Natera, Inc.
Classification: Likely benign for Glycogen storage disease type Ib. Last evaluated: 2020-04-03. Review status: no assertion criteria provided. Collection method: clinical testing. Allele origin: germline. Not counted in ClinVar's aggregate classification.

Dr. Peter K. Rogan Lab, Western University
No classification provided (evidence only). Condition: Malignant tumor of urinary bladder. Review status: no classification provided. Collection method: in vitro. Allele origin: not applicable. Functional consequence: retained intron. Not counted in ClinVar's aggregate classification.

Dr. Peter K. Rogan Lab, Western University
No classification provided (evidence only). Condition: Gastric cancer. Review status: no classification provided. Collection method: in vitro. Allele origin: not applicable. Functional consequence: retained intron. Not counted in ClinVar's aggregate classification.

Dr. Peter K. Rogan Lab, Western University
No classification provided (evidence only). Condition: Gastric cancer. Review status: no classification provided. Collection method: in vitro. Allele origin: not applicable. Functional consequence: retained intron. Not counted in ClinVar's aggregate classification.

Dr. Peter K. Rogan Lab, Western University
No classification provided (evidence only). Condition: Malignant tumor of esophagus. Review status: no classification provided. Collection method: in vitro. Allele origin: not applicable. Functional consequence: retained intron. Not counted in ClinVar's aggregate classification.

Literature cited by the submitters: PubMed 22899091 (cited by Women's Health and Genetics/Laboratory Corporation of America, LabCorp and Illumina Laboratory Services, Illumina).

NM_001164277.2(SLC37A4):c.467C>T (p.Ala156Val)

Gene: SLC37A4 (solute carrier family 37 member 4; minus strand). Cytogenetic location: 11q23.3.
Variant type: single nucleotide variant.
Coding change: c.467C>T on transcript NM_001164277.2 (MANE Select); coding-DNA position 467, C replaced by T.
Protein change: p.Ala156Val; replaces alanine 156 with valine.
Molecular consequence: missense variant.
Genome position (GRCh38, 1-based): chr11:119,027,787, G>A on the plus strand (C>T on the coding strand, the complement: SLC37A4 is on the minus strand). VCF-style: chr11-119027787-G-A. GRCh37 (hg19) VCF-style: chr11-118898497-G-A.
Other names: c.467C>T, p.Ala156Val (NM_001164278.2, NM_001164280.2, NM_001467.6); c.248C>T, p.Ala83Val (NM_001164279.2); short protein forms A156V, A83V.
Identifiers: ClinVar variation 215177 (VCV000215177.62), dbSNP rs201036248, ClinGen allele CA321772.